The following is an entry in ClinVar:

ClinVar aggregate classification (germline): Benign/Likely benign. Review status: criteria provided, multiple submitters, no conflicts (2 of 4 stars). 7 submissions from 7 submitters: Benign (3); Likely benign (2). 2 of the submissions do not count toward it. Last evaluated 2026-01-07.

Conditions:
Inborn genetic diseases. Identifiers: MedGen C0950123, MeSH D030342.

Submissions (7):

Labcorp Genetics (formerly Invitae), Labcorp
Classification: Benign. Last evaluated: 2026-01-07. Review status: criteria provided, single submitter. Criteria: Invitae Variant Classification Sherloc (09022015). Collection method: clinical testing. Allele origin: germline.

CeGaT Center for Human Genetics Tuebingen
Classification: Benign. Last evaluated: 2026-01-01. Review status: criteria provided, single submitter. Criteria: CeGaT Center For Human Genetics Tuebingen Variant Classification Criteria Version 2. Collection method: clinical testing. Allele origin: germline. Affected: yes. Observed: 1 variant allele.
Comment: ARID1B: BS1, BS2

Blueprint Genetics
Classification: Likely benign. Last evaluated: 2024-11-13. Review status: criteria provided, single submitter. Criteria: ACMG Guidelines, 2015. Collection method: clinical testing. Allele origin: germline.

GeneDx
Classification: Likely benign. Last evaluated: 2019-05-17. Review status: criteria provided, single submitter. Criteria: GeneDx Variant Classification Process June 2021. Collection method: clinical testing. Allele origin: germline. Affected: yes.

Ambry Genetics
Classification: Benign for Inborn genetic diseases. Last evaluated: 2016-09-01. Review status: criteria provided, single submitter. Criteria: Ambry Variant Classification Scheme 2023. Collection method: clinical testing. Allele origin: germline.

Clinical Genetics DNA and cytogenetics Diagnostics Lab, Erasmus MC, Erasmus Medical Center
Classification: Benign. Review status: no assertion criteria provided. Collection method: clinical testing. Allele origin: germline. Affected: yes. Study: VKGL Data-share Consensus. Not counted in ClinVar's aggregate classification.

Diagnostic Laboratory, Department of Genetics, University Medical Center Groningen
Classification: Benign. Review status: no assertion criteria provided. Collection method: clinical testing. Allele origin: germline. Affected: yes. Study: VKGL Data-share Consensus. Not counted in ClinVar's aggregate classification.

NM_001374828.1(ARID1B):c.373GCGGCGGCA[1] (p.Ala128_Ala130del)

Genes: ARID1B (AT-rich interaction domain 1B; plus strand), LOC115308161 (uncharacterized LOC115308161; minus strand). Cytogenetic location: 6q25.3.
Variant type: Microsatellite.
Coding change: c.373GCGGCGGCA[1] on transcript NM_001374828.1 (MANE Select); one copy of the 9-base unit GCGGCGGCA starting at c.373; the reference has two copies in a row; one copy, 9 bases deleted.
Protein change: p.Ala128_Ala130del.
Molecular consequence: inframe deletion.
Genome position (GRCh38, 1-based): chr6:156,778,062-156,778,070, GCGGCGGCA deleted; deleting any 9 consecutive bases within chr6:156,778,053-156,778,070 gives the same sequence; the position shown is the placement nearest the transcript's 3' end. VCF-style (leftmost placement, unchanged base first): chr6-156778052-CGCGGCGGCA-C. GRCh37 (hg19) VCF-style: chr6-157099186-CGCGGCGGCA-C.
Other names: c.124_132delGCGGCGGCA (NM_020732.3); c.133_141delGCGGCGGCA (NM_020732.3); c.373GCGGCGGCA[1], p.Ala128_Ala130del (NM_001371656.1, NM_001374820.1, NM_017519.3).
Identifiers: ClinVar variation 589481 (VCV000589481.22), dbSNP rs769480864, ClinGen allele CA4066612.